The following is an entry in ClinVar:

NM_001036.6(RYR3):c.3092A>T (p.Lys1031Met)

Gene: RYR3 (ryanodine receptor 3; plus strand). Cytogenetic location: 15q14.
Variant type: single nucleotide variant.
Coding change: c.3092A>T on transcript NM_001036.6 (MANE Select); coding-DNA position 3092, A replaced by T.
Protein change: p.Lys1031Met; replaces lysine 1031 with methionine.
Molecular consequence: missense variant.
Genome position (GRCh38, 1-based): chr15:33,634,650, A>T. VCF-style: chr15-33634650-A-T. GRCh37 (hg19) VCF-style: chr15-33926851-A-T.
Other names: c.3092A>T, p.Lys1031Met (NM_001243996.4); short protein forms K1031M.
Identifiers: ClinVar variation 461901 (VCV000461901.21), dbSNP rs753104655, ClinGen allele CA7458612.

ClinVar aggregate classification (germline): Conflicting classifications of pathogenicity. Review status: criteria provided, conflicting classifications (1 of 4 stars). 4 submissions from 4 submitters: Likely pathogenic (1); Uncertain significance (3). Last evaluated 2026-02-01.

Conditions:
Premature ovarian insufficiency (POF). Also called: Premature ovarian failure. Identifiers: MedGen C4303540, HP:0008209.
Epileptic encephalopathy. Identifiers: MedGen C0543888, HP:0200134.

Allele frequency attached by ClinVar (database versions not stated): gnomAD exomes 0.00005 and 0.00008; gnomAD 0.00005 and 0.00006; TOPMed 0.00006; ExAC 0.00007.
gnomAD v4.1: 119 of 1,613,864 alleles (0.0074%); highest among the groups gnomAD compares: Non-Finnish European, 0.0094%; no homozygotes.

Submissions (4):

CeGaT Center for Human Genetics Tuebingen
Classification: Uncertain significance. Last evaluated: 2026-02-01. Review status: criteria provided, single submitter. Criteria: CeGaT Center For Human Genetics Tuebingen Variant Classification Criteria Version 2. Collection method: clinical testing. Allele origin: germline. Affected: yes. Observed: 1 variant allele.
Comment: RYR3: PM2, PP3

Labcorp Genetics (formerly Invitae), Labcorp
Classification: Uncertain significance for Epileptic encephalopathy. Last evaluated: 2024-03-11. Review status: criteria provided, single submitter. Criteria: Invitae Variant Classification Sherloc (09022015). Collection method: clinical testing. Allele origin: germline.
Comment: This sequence change replaces lysine, which is basic and polar, with methionine, which is neutral and non-polar, at codon 1031 of the RYR3 protein (p.Lys1031Met). This variant is present in population databases (rs753104655, gnomAD 0.01%). This missense change has been observed in individual(s) with primary ovarian insufficiency (PMID: 34480478). ClinVar contains an entry for this variant (Variation ID: 461901). Advanced modeling of protein sequence and biophysical properties (such as structural, functional, and spatial information, amino acid conservation, physicochemical variation, residue mobility, and thermodynamic stability) performed at Invitae indicates that this missense variant is not expected to disrupt RYR3 protein function with a negative predictive value of 80%. In summary, the available evidence is currently insufficient to determine the role of this variant in disease. Therefore, it has been classified as a Variant of Uncertain Significance.

Medical Cytogenetics and Molecular Genetics Laboratory, IRCCS Istituto Auxologico Italiano
Classification: Likely pathogenic for Premature ovarian failure. Last evaluated: 2020-03-02. Review status: criteria provided, single submitter. Criteria: ACMG Guidelines, 2015. Collection method: research. Allele origin: germline. Affected: yes. Observed: 1 variant allele.

Centre for Mendelian Genomics, University Medical Centre Ljubljana
Classification: Uncertain significance. Last evaluated: 2018-12-07. Review status: criteria provided, single submitter. Criteria: ACMG Guidelines, 2015. Collection method: clinical testing. Allele origin: unknown. Affected: yes.
Comment: This variant was classified as: Uncertain significance. The available evidence on this variant's pathogenicity is insufficient or conflicting. The following ACMG criteria were applied in classifying this variant: PP3.

Literature cited by the submitters: PubMed 34480478 (cited by Labcorp Genetics (formerly Invitae), Labcorp).